The following is an entry in ClinVar:

ClinVar aggregate classification (germline): Conflicting classifications of pathogenicity. Review status: criteria provided, conflicting classifications (1 of 4 stars). 3 submissions from 3 submitters: Uncertain significance (2); Benign (1). Last evaluated 2025-07-28.

Conditions:
Ehlers-Danlos syndrome, classic type, 1 (EDSCL1). Also called: EHLERS-DANLOS SYNDROME, GRAVIS TYPE; EHLERS-DANLOS SYNDROME, SEVERE CLASSIC TYPE; EDS I; Ehlers-Danlos Syndrome, Classic Type, COL5A1-Related; Ehlers-Danlos syndrome, type 1. Identifiers: MedGen C0268335, MONDO:0019567, OMIM 130000.
Familial thoracic aortic aneurysm and aortic dissection (TAAD). Also called: Thoracic aortic aneurysms and dissections. Identifiers: Orphanet 91387, MedGen C4707243, MONDO:0019625.

Allele frequency attached by ClinVar (database versions not stated): gnomAD 0.00001; gnomAD exomes 0.00001; TOPMed 0.00001.

Submissions (3):

Ambry Genetics
Classification: Uncertain significance for Familial thoracic aortic aneurysm and aortic dissection. Last evaluated: 2025-07-28. Review status: criteria provided, single submitter. Criteria: Ambry Variant Classification Scheme 2023. Collection method: clinical testing. Allele origin: germline.
Comment: The p.G124S variant (also known as c.370G>A), located in coding exon 3 of the COL5A1 gene, results from a G to A substitution at nucleotide position 370. The glycine at codon 124 is replaced by serine, an amino acid with similar properties. This amino acid position is highly conserved in available vertebrate species. In addition, the in silico prediction for this alteration is inconclusive. Based on the available evidence, the clinical significance of this variant remains unclear.

Labcorp Genetics (formerly Invitae), Labcorp
Classification: Benign for Ehlers-Danlos syndrome, classic type, 1. Last evaluated: 2025-01-28. Review status: criteria provided, single submitter. Criteria: Invitae Variant Classification Sherloc (09022015). Collection method: clinical testing. Allele origin: germline.

Mayo Clinic Laboratories, Mayo Clinic
Classification: Uncertain significance. Last evaluated: 2019-09-23. Review status: criteria provided, single submitter. Criteria: ACMG Guidelines, 2015. Collection method: clinical testing. Allele origin: germline. Observed: 1 variant allele.

NM_000093.5(COL5A1):c.370G>A (p.Gly124Ser)

Gene: COL5A1 (collagen type V alpha 1 chain; plus strand). Cytogenetic location: 9q34.3.
Variant type: single nucleotide variant.
Coding change: c.370G>A on transcript NM_000093.5 (MANE Select); coding-DNA position 370, G replaced by A.
Protein change: p.Gly124Ser; replaces glycine 124 with serine.
Molecular consequence: missense variant.
Genome position (GRCh38, 1-based): chr9:134,700,001, G>A. VCF-style: chr9-134700001-G-A. GRCh37 (hg19) VCF-style: chr9-137591847-G-A.
Other names: c.370G>A, p.Gly124Ser (NM_001278074.1); c.370G>A (NM_000093.3); short protein forms G124S.
Identifiers: ClinVar variation 1026621 (VCV001026621.14), dbSNP rs1356081271, ClinGen allele CA375442837.